The following is an entry in ClinVar:

NM_001369268.1(ACAN):c.1062T>A (p.Phe354Leu)

Gene: ACAN (aggrecan; plus strand). Cytogenetic location: 15q26.1.
Variant type: single nucleotide variant.
Coding change: c.1062T>A on transcript NM_001369268.1 (MANE Select); coding-DNA position 1062, T replaced by A.
Protein change: p.Phe354Leu; replaces phenylalanine 354 with leucine.
Molecular consequence: missense variant.
Genome position (GRCh38, 1-based): chr15:88,845,515, T>A. VCF-style: chr15-88845515-T-A. GRCh37 (hg19) VCF-style: chr15-89388746-T-A.
Other names: c.1062T>A, p.Phe354Leu (NM_001135.4, NM_001411096.1, NM_001411097.1 and 1 more transcripts); short protein forms F354L.
Identifiers: ClinVar variation 4740619 (VCV004740619.1).

ClinVar aggregate classification (germline): Uncertain significance (1 of 4 stars; one submission).

Submission:

Labcorp Genetics (formerly Invitae), Labcorp
Classification: Uncertain significance. Last evaluated: 2025-09-28. Review status: criteria provided, single submitter. Criteria: Invitae Variant Classification Sherloc (09022015). Collection method: clinical testing. Allele origin: germline.
Comment: This sequence change replaces phenylalanine, which is neutral and non-polar, with leucine, which is neutral and non-polar, at codon 354 of the ACAN protein (p.Phe354Leu). This variant is not present in population databases (gnomAD no frequency). This variant has not been reported in the literature in individuals affected with ACAN-related conditions. Invitae Evidence Modeling of protein sequence and biophysical properties (such as structural, functional, and spatial information, amino acid conservation, physicochemical variation, residue mobility, and thermodynamic stability) indicates that this missense variant is not expected to disrupt ACAN protein function with a negative predictive value of 80%. In summary, the available evidence is currently insufficient to determine the role of this variant in disease. Therefore, it has been classified as a Variant of Uncertain Significance.